The following is an entry in ClinVar:

ClinVar aggregate classification (germline): Benign. Review status: criteria provided, multiple submitters, no conflicts (2 of 4 stars). 2 submissions from 2 submitters: Benign (2). Last evaluated 2024-11-28.

Submissions (2):

Blueprint Genetics
Classification: Benign. Last evaluated: 2024-11-28. Review status: criteria provided, single submitter. Criteria: ACMG Guidelines, 2015. Collection method: clinical testing. Allele origin: germline.

GeneDx
Classification: Benign. Last evaluated: 2018-06-08. Review status: criteria provided, single submitter. Criteria: GeneDx Variant Classification (06012015). Collection method: clinical testing. Allele origin: germline. Affected: yes.
Comment: This variant is considered likely benign or benign based on one or more of the following criteria: it is a conservative change, it occurs at a poorly conserved position in the protein, it is predicted to be benign by multiple in silico algorithms, and/or has population frequency not consistent with disease.

NM_000390.4(CHM):c.117-27dup

Gene: CHM (CHM Rab escort protein; minus strand). Cytogenetic location: Xq21.2.
Variant type: Duplication.
Coding change: c.117-27dup on transcript NM_000390.4 (MANE Select); 27 bases into the intron before coding-DNA position 117, one base duplicated (T; older notation c.117-27dupT).
Molecular consequence: intron variant.
Genome position (GRCh38, 1-based): chrX:85,981,821, A duplicated on the plus strand (T on the coding strand, the reverse complement: CHM is on the minus strand); the first of 16 consecutive A bases (chrX:85,981,821-85,981,836); duplicating any one gives the same sequence. VCF-style (leftmost placement, unchanged base first): chrX-85981820-T-TA. GRCh37 (hg19) VCF-style: chrX-85236824-T-TA.
Other names: c.-324-27dup (NM_001362519.1, NM_001362518.2); c.-328-27dup (NM_001362517.1, NM_001320959.1); c.117-27dup (NM_001145414.4).
Identifiers: ClinVar variation 675711 (VCV000675711.2), dbSNP rs372213887, ClinGen allele CA10465641.